The following is an entry in ClinVar:

NM_000152.5(GAA):c.663C>G (p.Ile221Met)

Gene: GAA (alpha glucosidase; plus strand). Cytogenetic location: 17q25.3.
Variant type: single nucleotide variant.
Coding change: c.663C>G on transcript NM_000152.5 (MANE Select); coding-DNA position 663, C replaced by G.
Protein change: p.Ile221Met; replaces isoleucine 221 with methionine.
Molecular consequence: missense variant.
Genome position (GRCh38, 1-based): chr17:80,105,865, C>G. VCF-style: chr17-80105865-C-G. GRCh37 (hg19) VCF-style: chr17-78079664-C-G.
Other names: c.663C>G (LRG_673t1); c.663C>G, p.Ile221Met (NM_001079803.3, NM_001079804.3); short protein forms I221M.
Identifiers: ClinVar variation 526522 (VCV000526522.6), dbSNP rs142878958, ClinGen allele CA401362492.
Genomic context (GRCh38, chr17:80,105,865, plus strand): 5'-CAGCCGGGCACCGTCCCCACTCTACAGCGTGGAGTTCTCCGAGGAGCCCTTCGGGGTGAT[C>G]GTGCGCCGGCAGCTGGACGGCCGCGTGCTGTGAGTTCTGGGCTCTGTGCCAGCATGATGG-3'
Protein context (NP_000143.2, residues 211-231): VEFSEEPFGV[Ile221Met]VRRQLDGRVL

ClinVar aggregate classification (germline): Uncertain significance (1 of 4 stars; one submission).

Conditions:
Glycogen storage disease, type II (IOPD). Also called: CARDIOMEGALIA GLYCOGENICA DIFFUSA; GLYCOGENOSIS, GENERALIZED, CARDIAC FORM; GSD II; POMPE DISEASE, INFANTILE-ONSET; GLYCOGEN STORAGE DISEASE II, INFANTILE-ONSET; ACID ALPHA-GLUCOSIDASE DEFICIENCY, INFANTILE-ONSET. Identifiers: Orphanet 365, MedGen C0017921, MONDO:0009290, OMIM 232300.

gnomAD v4.1: 3 of 1,603,942 alleles (0.00019%); highest among the groups gnomAD compares: Non-Finnish European, 0.00025%; no homozygotes.

Submission:

Labcorp Genetics (formerly Invitae), Labcorp
Classification: Uncertain significance for Glycogen storage disease, type II. Last evaluated: 2022-10-24. Review status: criteria provided, single submitter. Criteria: Invitae Variant Classification Sherloc (09022015). Collection method: clinical testing. Allele origin: germline.
Comment: This sequence change replaces isoleucine, which is neutral and non-polar, with methionine, which is neutral and non-polar, at codon 221 of the GAA protein (p.Ile221Met). This variant is not present in population databases (gnomAD no frequency). This variant has not been reported in the literature in individuals affected with GAA-related conditions. ClinVar contains an entry for this variant (Variation ID: 526522). Advanced modeling of protein sequence and biophysical properties (such as structural, functional, and spatial information, amino acid conservation, physicochemical variation, residue mobility, and thermodynamic stability) performed at Invitae indicates that this missense variant is not expected to disrupt GAA protein function. In summary, the available evidence is currently insufficient to determine the role of this variant in disease. Therefore, it has been classified as a Variant of Uncertain Significance.